The following is an entry in ClinVar:

NM_000784.4(CYP27A1):c.247C>G (p.Gln83Glu)

Gene: CYP27A1 (cytochrome P450 family 27 subfamily A member 1; plus strand). Cytogenetic location: 2q35.
Variant type: single nucleotide variant.
Coding change: c.247C>G on transcript NM_000784.4 (MANE Select); coding-DNA position 247, C replaced by G.
Protein change: p.Gln83Glu; replaces glutamine 83 with glutamic acid.
Molecular consequence: missense variant.
Genome position (GRCh38, 1-based): chr2:218,782,429, C>G. VCF-style: chr2-218782429-C-G. GRCh37 (hg19) VCF-style: chr2-219647152-C-G.
Other names: c.247C>G (NM_000784.3); short protein forms Q83E.
Identifiers: ClinVar variation 1401707 (VCV001401707.6), dbSNP rs2106479200, ClinGen allele CA350577046.

ClinVar aggregate classification (germline): Uncertain significance. Review status: criteria provided, multiple submitters, no conflicts (2 of 4 stars). 2 submissions from 2 submitters: Uncertain significance (2). Last evaluated 2023-06-05.

Conditions:
Cholestanol storage disease (CTX). Also called: Cerebrotendinous Xanthomatosis; CTX: Cerebrotendinous xanthomatosis; CEREBRAL CHOLESTERINOSIS. Identifiers: Orphanet 909, MedGen C0238052, MONDO:0008948, OMIM 213700.

Allele frequency attached by ClinVar (database versions not stated): gnomAD exomes below 0.00001.

Submissions (2):

GeneDx
Classification: Uncertain significance. Last evaluated: 2023-06-05. Review status: criteria provided, single submitter. Criteria: GeneDx Variant Classification Process June 2021. Collection method: clinical testing. Allele origin: germline. Affected: yes.
Comment: Not observed at significant frequency in large population cohorts (gnomAD); In silico analysis supports that this missense variant does not alter protein structure/function; Has not been previously published as pathogenic or benign to our knowledge

Labcorp Genetics (formerly Invitae), Labcorp
Classification: Uncertain significance for Cholestanol storage disease. Last evaluated: 2021-10-14. Review status: criteria provided, single submitter. Criteria: Invitae Variant Classification Sherloc (09022015). Collection method: clinical testing. Allele origin: germline.
Comment: This sequence change replaces glutamine with glutamic acid at codon 83 of the CYP27A1 protein (p.Gln83Glu). The glutamine residue is weakly conserved and there is a small physicochemical difference between glutamine and glutamic acid. This variant is not present in population databases (ExAC no frequency). This variant has not been reported in the literature in individuals affected with CYP27A1-related conditions. Algorithms developed to predict the effect of missense changes on protein structure and function output the following: SIFT: "Tolerated"; PolyPhen-2: "Benign"; Align-GVGD: "Class C0". The glutamic acid amino acid residue is found in multiple mammalian species, which suggests that this missense change does not adversely affect protein function. In summary, the available evidence is currently insufficient to determine the role of this variant in disease. Therefore, it has been classified as a Variant of Uncertain Significance.